The following is an entry in ClinVar:

NM_000179.3(MSH6):c.2497A>C (p.Lys833Gln)

Gene: MSH6 (mutS homolog 6; plus strand). Cytogenetic location: 2p16.3.
Variant type: single nucleotide variant.
Coding change: c.2497A>C on transcript NM_000179.3 (MANE Select); coding-DNA position 2497, A replaced by C.
Protein change: p.Lys833Gln; replaces lysine 833 with glutamine.
Molecular consequence: missense variant.
Genome position (GRCh38, 1-based): chr2:47,800,480, A>C. VCF-style: chr2-47800480-A-C. GRCh37 (hg19) VCF-style: chr2-48027619-A-C.
Other names: c.2107A>C, p.Lys703Gln (NM_001281492.2); c.1591A>C, p.Lys531Gln (NM_001281493.2, NM_001281494.2); short protein forms K703Q, K833Q, K531Q.
Identifiers: ClinVar variation 920601 (VCV000920601.9), dbSNP rs1669470783, ClinGen allele CA346754231.
Genomic context (GRCh38, chr2:47,800,480, plus strand): 5'-AAGAAGCTTCCAGATCTTGAGAGGCTACTCAGTAAAATTCATAATGTTGGGTCTCCCCTG[A>C]AGAGTCAGAACCACCCAGACAGCAGGGCTATAATGTATGAAGAAACTACATACAGCAAGA-3'
Protein context (NP_000170.1, residues 823-843): SKIHNVGSPL[Lys833Gln]SQNHPDSRAI

ClinVar aggregate classification (germline): Uncertain significance. Review status: criteria provided, multiple submitters, no conflicts (2 of 4 stars). 2 submissions from 2 submitters: Uncertain significance (2). Last evaluated 2023-12-04.

Conditions:
Hereditary cancer-predisposing syndrome. Also called: Neoplastic Syndromes, Hereditary; Tumor predisposition; Hereditary Cancer Syndrome; Hereditary neoplastic syndrome. Identifiers: Orphanet 140162, MedGen C0027672, MeSH D009386, MONDO:0015356.
Hereditary nonpolyposis colorectal neoplasms. Identifiers: MedGen C0009405, MeSH D003123.

Submissions (2):

Color Diagnostics, LLC DBA Color Health
Classification: Uncertain significance for Hereditary cancer-predisposing syndrome. Last evaluated: 2023-12-04. Review status: criteria provided, single submitter. Criteria: ACMG Guidelines, 2015. Collection method: clinical testing. Allele origin: germline.
Comment: This missense variant replaces lysine with glutamine at codon 833 of the MSH6 protein. Computational prediction is inconclusive regarding the impact of this variant on protein structure and function (internally defined REVEL score threshold 0.5 < inconclusive < 0.7, PMID: 27666373). To our knowledge, functional studies have not been reported for this variant. This variant has not been reported in individuals affected with MSH6-related disorders in the literature. This variant has not been identified in the general population by the Genome Aggregation Database (gnomAD). The available evidence is insufficient to determine the role of this variant in disease conclusively. Therefore, this variant is classified as a Variant of Uncertain Significance.

Labcorp Genetics (formerly Invitae), Labcorp
Classification: Uncertain significance for Hereditary nonpolyposis colorectal neoplasms. Last evaluated: 2022-07-25. Review status: criteria provided, single submitter. Criteria: Invitae Variant Classification Sherloc (09022015). Collection method: clinical testing. Allele origin: germline.
Comment: In summary, the available evidence is currently insufficient to determine the role of this variant in disease. Therefore, it has been classified as a Variant of Uncertain Significance. Algorithms developed to predict the effect of sequence changes on RNA splicing suggest that this variant may create or strengthen a splice site. Algorithms developed to predict the effect of missense changes on protein structure and function are either unavailable or do not agree on the potential impact of this missense change (SIFT: "Deleterious"; PolyPhen-2: "Probably Damaging"; Align-GVGD: "Class C0"). ClinVar contains an entry for this variant (Variation ID: 920601). This variant has not been reported in the literature in individuals affected with MSH6-related conditions. This variant is not present in population databases (gnomAD no frequency). This sequence change replaces lysine, which is basic and polar, with glutamine, which is neutral and polar, at codon 833 of the MSH6 protein (p.Lys833Gln).